The following is an entry in ClinVar:

NM_000533.5(PLP1):c.191+1G>T

Genes: PLP1 (proteolipid protein 1; plus strand), RAB9B (RAB9B, member RAS oncogene family; minus strand). Cytogenetic location: Xq22.2.
Variant type: single nucleotide variant.
Coding change: c.191+1G>T on transcript NM_000533.5 (MANE Select); the canonical splice donor site of the intron after coding-DNA position 191, G replaced by T.
Molecular consequence: splice donor variant.
Genome position (GRCh38, 1-based): chrX:103,785,769, G>T. VCF-style: chrX-103785769-G-T. GRCh37 (hg19) VCF-style: chrX-103040698-G-T.
Other names: c.191+1G>T (NM_001128834.3, NM_199478.3); c.26+1G>T (NM_001305004.1).
Identifiers: ClinVar variation 280862 (VCV000280862.2), dbSNP rs886039537, ClinGen allele CA10603579.
Genomic context (GRCh38, chrX:103,785,769, plus strand): 5'-AAAGCTAATTGAGACCTATTTCTCCAAAAACTACCAAGACTATGAGTATCTCATCAATGT[G>T]TAAGTACCTGCCCTCCCACACAGACCCATCTTTTTTTTCCCTCTCTCCATCCTGGAGATA-3'

ClinVar aggregate classification (germline): Pathogenic (1 of 4 stars; one submission).

Submission:

GeneDx
Classification: Pathogenic. Last evaluated: 2016-09-21. Review status: criteria provided, single submitter. Criteria: GeneDx Variant Classification (06012015). Collection method: clinical testing. Allele origin: germline. Affected: yes.
Comment: The c.191+1G>T pathogenic variant in the PLP1 gene has not been reported previously as a pathogenic variant nor as a benign variant, to our knowledge. This splice site variant destroys the canonical splice donor site in intron 2. It is predicted to cause abnormal gene splicing, either leading to an abnormal message that is subject to nonsense-mediated mRNA decay, or to an abnormal protein product if the message is used for protein translation. The c.191+1G>T variant was not observed in approximately 6500 individuals of European and African American ancestry in the NHLBI Exome Sequencing Project, indicating it is not a common benign variant in these populations. We interpret c.191+1G>T as a pathogenic variant